The following is an entry in ClinVar:

NM_000516.7(GNAS):c.914A>G (p.Lys305Arg)

Gene: GNAS (GNAS complex locus; plus strand). Cytogenetic location: 20q13.32.
Variant type: single nucleotide variant.
Coding change: c.914A>G on transcript NM_000516.7 (MANE Select); coding-DNA position 914, A replaced by G.
Protein change: p.Lys305Arg; replaces lysine 305 with arginine.
Molecular consequence: missense variant. On other transcripts: 3 prime UTR variant (2).
Genome position (GRCh38, 1-based): chr20:58,910,025, A>G. VCF-style: chr20-58910025-A-G. GRCh37 (hg19) VCF-style: chr20-57485080-A-G.
Other names: c.917A>G, p.Lys306Arg (NM_001077488.5); c.869A>G, p.Lys290Arg (NM_001077489.4); c.*775A>G (NM_001077490.3); c.737A>G, p.Lys246Arg (NM_001309840.2, NM_001309861.2, NM_001438276.1 and 1 more transcripts); c.818A>G, p.Lys273Arg (NM_001410912.1); c.2798A>G, p.Lys933Arg (NM_001410913.1); c.692A>G, p.Lys231Arg (NM_001438273.1, NM_001438274.1, NM_001438275.1); c.*820A>G (NM_016592.5); and 2 more; short protein forms K231R, K246R, K273R, K290R, K291R, K305R, K306R, K933R.
Identifiers: ClinVar variation 4873305 (VCV004873305.2).

ClinVar aggregate classification (germline): Uncertain significance (1 of 4 stars; one submission).

Submission:

CeGaT Center for Human Genetics Tuebingen
Classification: Uncertain significance. Last evaluated: 2026-04-01. Review status: criteria provided, single submitter. Criteria: CeGaT Center For Human Genetics Tuebingen Variant Classification Criteria Version 2. Collection method: clinical testing. Allele origin: germline. Affected: yes. Observed: 1 variant allele.
Comment: GNAS: PM2, PP2, PP3